The following is an entry in ClinVar:

NM_025103.4(IFT74):c.1206+9C>T

Gene: IFT74 (intraflagellar transport 74; plus strand). Cytogenetic location: 9p21.2.
Variant type: single nucleotide variant.
Coding change: c.1206+9C>T on transcript NM_025103.4 (MANE Select); 9 bases into the intron after coding-DNA position 1206, C replaced by T.
Molecular consequence: intron variant.
Genome position (GRCh38, 1-based): chr9:27,047,380, C>T. VCF-style: chr9-27047380-C-T. GRCh37 (hg19) VCF-style: chr9-27047378-C-T.
Other names: c.1206+9C>T (NM_001099223.3, NM_001099222.3, NM_001349928.2).
Identifiers: ClinVar variation 3356212 (VCV003356212.1).

ClinVar aggregate classification (germline): Likely benign (0 of 4 stars; one submission).

Conditions:
IFT74-related disorder. Also called: IFT74-related condition; IFT74-Related Disorders.

gnomAD v4.1: 27 of 1,549,540 alleles (0.0017%); highest among the groups gnomAD compares: Non-Finnish European, 0.0023%; no homozygotes.

Submission:

PreventionGenetics, part of Exact Sciences
Classification: Likely benign for IFT74-related condition. Last evaluated: 2023-10-26. Review status: no assertion criteria provided. Collection method: clinical testing. Allele origin: germline.
Comment: This variant is classified as likely benign based on ACMG/AMP sequence variant interpretation guidelines (Richards et al. 2015 PMID: 25741868, with internal and published modifications).